The following is an entry in ClinVar:

ClinVar aggregate classification (germline): Benign (0 of 4 stars; one submission).

Conditions:
MCTP2-related disorder. Also called: MCTP2-related condition.

Allele frequency attached by ClinVar (database versions not stated): 1000 Genomes Project 30x 0.00937; 1000 Genomes Project 0.00978; ESP Exome Variant Server 0.01486; TOPMed 0.02003; ExAC 0.02072; gnomAD 0.02173; gnomAD exomes 0.02863.
gnomAD v4.1: 44,376 of 1,596,872 alleles (2.8%); highest among the groups gnomAD compares: Middle Eastern, 3.6%; 756 homozygotes.

Submission:

PreventionGenetics, part of Exact Sciences
Classification: Benign for MCTP2-related condition. Last evaluated: 2019-09-24. Review status: no assertion criteria provided. Collection method: clinical testing. Allele origin: germline.
Comment: This variant is classified as benign based on ACMG/AMP sequence variant interpretation guidelines (Richards et al. 2015 PMID: 25741868, with internal and published modifications).

NM_001385001.1(MCTP2):c.1966-8A>T

Gene: MCTP2 (multiple C2 and transmembrane domain containing 2; plus strand). Cytogenetic location: 15q26.2.
Variant type: single nucleotide variant.
Coding change: c.1966-8A>T on transcript NM_001385001.1 (MANE Select); 8 bases into the intron before coding-DNA position 1966, A replaced by T.
Molecular consequence: intron variant.
Genome position (GRCh38, 1-based): chr15:94,401,892, A>T. VCF-style: chr15-94401892-A-T. GRCh37 (hg19) VCF-style: chr15-94945121-A-T.
Other names: c.1966-8A>T (NM_001385002.1, NM_001385003.1, NM_018349.4 and 5 more transcripts); c.1684-8A>T (NM_001385007.1); c.1468-8A>T (NM_001385009.1, NM_001385010.1); c.1648-8A>T (NM_001385011.1); c.730-8A>T (NM_001159644.2).
Identifiers: ClinVar variation 3055875 (VCV003055875.2), dbSNP rs117867468, ClinGen allele CA7750237.